The following is an entry in ClinVar:

ClinVar aggregate classification (germline): Uncertain significance (1 of 4 stars; one submission).

Allele frequency attached by ClinVar (database versions not stated): gnomAD exomes below 0.00001; TOPMed below 0.00001.
gnomAD v4.1: 1 of 1,614,156 alleles (0.000062%); highest among the groups gnomAD compares: Admixed American, 0.0017%; no homozygotes.

Submission:

GeneDx
Classification: Uncertain significance. Last evaluated: 2019-05-23. Review status: criteria provided, single submitter. Criteria: GeneDx Variant Classification Process June 2021. Collection method: clinical testing. Allele origin: germline. Affected: yes.
Comment: Not observed in large population cohorts (Lek et al., 2016); In silico analysis, which includes protein predictors and evolutionary conservation, supports that this variant does not alter protein structure/function; Has not been previously published as pathogenic or benign to our knowledge; Variants in candidate genes are classified as variants of uncertain significance in accordance with ACMG guidelines (Richards et al., 2015)

NM_015557.3(CHD5):c.5086G>A (p.Asp1696Asn)

Gene: CHD5 (chromodomain helicase DNA binding protein 5; minus strand). Cytogenetic location: 1p36.31.
Variant type: single nucleotide variant.
Coding change: c.5086G>A on transcript NM_015557.3 (MANE Select); coding-DNA position 5086, G replaced by A.
Protein change: p.Asp1696Asn; replaces aspartic acid 1696 with asparagine.
Molecular consequence: missense variant.
Genome position (GRCh38, 1-based): chr1:6,112,194, C>T on the plus strand (G>A on the coding strand, the complement: CHD5 is on the minus strand). VCF-style: chr1-6112194-C-T. GRCh37 (hg19) VCF-style: chr1-6172254-C-T.
Other names: short protein forms D1696N.
Identifiers: ClinVar variation 1305742 (VCV001305742.2), dbSNP rs1666302673, ClinGen allele CA338066658.